The following is an entry in ClinVar:

ClinVar aggregate classification (germline): Uncertain significance (1 of 4 stars; one submission).

Submission:

Labcorp Genetics (formerly Invitae), Labcorp
Classification: Uncertain significance. Last evaluated: 2020-07-13. Review status: criteria provided, single submitter. Criteria: Invitae Variant Classification Sherloc (09022015). Collection method: clinical testing. Allele origin: germline.
Comment: In summary, the available evidence is currently insufficient to determine the role of this variant in disease. Therefore, it has been classified as a Variant of Uncertain Significance. Experimental studies and prediction algorithms are not available or were not evaluated, and the functional significance of this variant is currently unknown. This variant, c.4678_4680del, results in the deletion of 1 amino acid(s) of the KIAA1549 protein (p.Glu1560del), but otherwise preserves the integrity of the reading frame. This variant is not present in population databases (ExAC no frequency). This variant has not been reported in the literature in individuals with KIAA1549-related conditions.

NM_001164665.2(KIAA1549):c.4678_4680del (p.Glu1560del)

Gene: KIAA1549 (KIAA1549; minus strand). Cytogenetic location: 7q34.
Variant type: Deletion.
Coding change: c.4678_4680del on transcript NM_001164665.2 (MANE Select); coding-DNA positions 4678 to 4680, 3 bases deleted (GAG; older notation c.4678_4680delGAG).
Protein change: p.Glu1560del; deletes glutamic acid 1560.
Molecular consequence: inframe deletion.
Genome position (GRCh38, 1-based): chr7:138,869,633-138,869,635, CTC deleted on the plus strand (GAG on the coding strand, the reverse complement: KIAA1549 is on the minus strand); deleting any 3 consecutive bases within chr7:138,869,633-138,869,637 gives the same sequence; the c. name uses the placement nearest the transcript's 3' end. VCF-style (leftmost placement, unchanged base first): chr7-138869632-GCTC-G. GRCh37 (hg19) VCF-style: chr7-138554378-GCTC-G.
Other names: c.4678_4680del, p.Glu1560del (NM_020910.3); short protein forms E1560del.
Identifiers: ClinVar variation 1011148 (VCV001011148.8), dbSNP rs1810864065, ClinGen allele CA1746839470.